The following is an entry in ClinVar:

NM_016180.5(SLC45A2):c.1237G>A (p.Gly413Arg)

Gene: SLC45A2 (solute carrier family 45 member 2; minus strand). Cytogenetic location: 5p13.2.
Variant type: single nucleotide variant.
Coding change: c.1237G>A on transcript NM_016180.5 (MANE Select); coding-DNA position 1237, G replaced by A.
Protein change: p.Gly413Arg; replaces glycine 413 with arginine.
Molecular consequence: missense variant.
Genome position (GRCh38, 1-based): chr5:33,947,294, C>T on the plus strand (G>A on the coding strand, the complement: SLC45A2 is on the minus strand). VCF-style: chr5-33947294-C-T. GRCh37 (hg19) VCF-style: chr5-33947399-C-T.
Other names: c.1237G>A, p.Gly413Arg (NM_001012509.4); short protein forms G413R.
Identifiers: ClinVar variation 3392923 (VCV003392923.1).

ClinVar aggregate classification (germline): Uncertain significance (1 of 4 stars; one submission).

gnomAD v4.1: 2 of 1,614,216 alleles (0.00012%); highest among the groups gnomAD compares: Admixed American, 0.0033%; no homozygotes.

Submission:

GeneDx
Classification: Uncertain significance. Last evaluated: 2024-06-27. Review status: criteria provided, single submitter. Criteria: GeneDx Variant Classification Process June 2021. Collection method: clinical testing. Allele origin: germline. Affected: yes.
Comment: Not observed at significant frequency in large population cohorts (gnomAD); In silico analysis supports that this missense variant has a deleterious effect on protein structure/function; Has not been previously published as pathogenic or benign to our knowledge